The following is an entry in ClinVar:

NM_001382347.1(MYO5A):c.1129C>T (p.His377Tyr)

Gene: MYO5A (myosin VA; minus strand). Cytogenetic location: 15q21.2.
Variant type: single nucleotide variant.
Coding change: c.1129C>T on transcript NM_001382347.1 (MANE Select); coding-DNA position 1129, C replaced by T.
Protein change: p.His377Tyr; replaces histidine 377 with tyrosine.
Molecular consequence: missense variant.
Genome position (GRCh38, 1-based): chr15:52,397,391, G>A on the plus strand (C>T on the coding strand, the complement: MYO5A is on the minus strand). VCF-style: chr15-52397391-G-A. GRCh37 (hg19) VCF-style: chr15-52689588-G-A.
Other names: c.1129C>T, p.His377Tyr (NM_000259.3, NM_001142495.2, NM_001411135.1); c.1201C>T, p.His401Tyr (NM_001382348.1, NM_001382349.1); short protein forms H377Y, H401Y.
Identifiers: ClinVar variation 2206345 (VCV002206345.8), dbSNP rs373605038, ClinGen allele CA7569038.

ClinVar aggregate classification (germline): Uncertain significance. Review status: criteria provided, multiple submitters, no conflicts (2 of 4 stars). 2 submissions from 2 submitters: Uncertain significance (2). Last evaluated 2025-11-01.

Conditions:
Inborn genetic diseases. Identifiers: MedGen C0950123, MeSH D030342.

Allele frequency attached by ClinVar (database versions not stated): gnomAD exomes 0.00006; ESP Exome Variant Server 0.00008; ExAC 0.00011; TOPMed 0.00014; gnomAD 0.00016.

Submissions (2):

CeGaT Center for Human Genetics Tuebingen
Classification: Uncertain significance. Last evaluated: 2025-11-01. Review status: criteria provided, single submitter. Criteria: CeGaT Center For Human Genetics Tuebingen Variant Classification Criteria Version 2. Collection method: clinical testing. Allele origin: germline. Affected: yes. Observed: 1 variant allele.
Comment: MYO5A: PM2, PP3

Ambry Genetics
Classification: Uncertain significance for Inborn genetic diseases. Last evaluated: 2021-06-15. Review status: criteria provided, single submitter. Criteria: Ambry Variant Classification Scheme 2023. Collection method: clinical testing. Allele origin: germline.